The following is an entry in ClinVar:

NM_004006.3(DMD):c.1139A>G (p.His380Arg)

Gene: DMD (dystrophin; minus strand). Cytogenetic location: Xp21.1.
Variant type: single nucleotide variant.
Coding change: c.1139A>G on transcript NM_004006.3 (MANE Select); coding-DNA position 1139, A replaced by G.
Protein change: p.His380Arg; replaces histidine 380 with arginine.
Molecular consequence: missense variant.
Genome position (GRCh38, 1-based): chrX:32,644,974, T>C on the plus strand (A>G on the coding strand, the complement: DMD is on the minus strand). VCF-style: chrX-32644974-T-C. GRCh37 (hg19) VCF-style: chrX-32663091-T-C.
Other names: c.1115A>G, p.His372Arg (NM_000109.4); c.1127A>G, p.His376Arg (NM_004009.3); c.770A>G, p.His257Arg (NM_004010.3); short protein forms H380R, H257R, H372R, H376R.
Identifiers: ClinVar variation 455859 (VCV000455859.10), dbSNP rs1556876185, ClinGen allele CA412661670.
Genomic context (GRCh38, chrX:32,644,974, plus strand): 5'-CATTATAACAAGTCATATGTTTTGTTTTGTAAATTAACGTTTTAGTTTACCTCATGAGTA[T>C]GAAACTGGTCTTTCACCACTTCCACATCATTAGAAATCTCTCCTTGTGCTTGCAATGTGT-3'
Protein context (NP_003997.2, residues 370-390): NDVEVVKDQF[His380Arg]THEGYMMDLT

ClinVar aggregate classification (germline): Uncertain significance. Review status: criteria provided, single submitter (1 of 4 stars). 2 submissions from 2 submitters: Uncertain significance (1). 1 of the submissions does not count toward it. Last evaluated 2022-07-01.

Conditions:
Becker muscular dystrophy (BMD). Also called: MUSCULAR DYSTROPHY, PSEUDOHYPERTROPHIC PROGRESSIVE, BECKER TYPE; Becker Muscular Dystrophy (BMD). Identifiers: Orphanet 98895, MedGen C0917713, MONDO:0010311, OMIM 300376.
Cardiomyopathy (CMYO). Also called: Cardiomyopathies. Identifiers: Orphanet 167848, MedGen C0878544, MONDO:0004994, HP:0001638. Inheritance: Various modes of inheritance.
Duchenne muscular dystrophy (DMD). Also called: MUSCULAR DYSTROPHY, PSEUDOHYPERTROPHIC PROGRESSIVE, DUCHENNE TYPE; Duchenne Muscular Dystrophy (DMD). Identifiers: Orphanet 98896, MedGen C0013264, MONDO:0010679, OMIM 310200.
Dystrophin deficiency.

gnomAD v4.1: 1 of 1,211,720 alleles (0.000083%); no homozygotes.

Submissions (2):

Labcorp Genetics (formerly Invitae), Labcorp
Classification: Uncertain significance for Duchenne muscular dystrophy. Last evaluated: 2022-07-01. Review status: criteria provided, single submitter. Criteria: Invitae Variant Classification Sherloc (09022015). Collection method: clinical testing. Allele origin: germline.
Comment: This variant is not present in population databases (gnomAD no frequency). This sequence change replaces histidine, which is basic and polar, with arginine, which is basic and polar, at codon 380 of the DMD protein (p.His380Arg). In summary, the available evidence is currently insufficient to determine the role of this variant in disease. Therefore, it has been classified as a Variant of Uncertain Significance. Algorithms developed to predict the effect of missense changes on protein structure and function (SIFT, PolyPhen-2, Align-GVGD) all suggest that this variant is likely to be disruptive. ClinVar contains an entry for this variant (Variation ID: 455859). This variant has not been reported in the literature in individuals affected with DMD-related conditions.

Natera, Inc.
Classification: Uncertain significance for Becker muscular dystrophy; Cardiomyopathy; Duchenne muscular dystrophy; Dystrophin deficiency. Last evaluated: 2020-07-24. Review status: no assertion criteria provided. Collection method: clinical testing. Allele origin: germline. Not counted in ClinVar's aggregate classification.